The following is an entry in ClinVar:

ClinVar aggregate classification (germline): Uncertain significance. Review status: criteria provided, multiple submitters, no conflicts (2 of 4 stars). 2 submissions from 2 submitters: Uncertain significance (2). Last evaluated 2025-11-14.

Conditions:
Hereditary spastic paraplegia 53. Also called: Spastic paraplegia 53, autosomal recessive. Identifiers: Orphanet 319199, MedGen C3539494, MONDO:0013962, OMIM 614898.

Allele frequency attached by ClinVar (database versions not stated): ExAC 0.00001; gnomAD exomes 0.00001; TOPMed 0.00006; ESP Exome Variant Server 0.00008.
gnomAD v4.1: 15 of 1,613,424 alleles (0.00093%); highest among the groups gnomAD compares: African/African-American, 0.017%; no homozygotes.

Submissions (2):

Labcorp Genetics (formerly Invitae), Labcorp
Classification: Uncertain significance for Hereditary spastic paraplegia 53. Last evaluated: 2025-11-14. Review status: criteria provided, single submitter. Criteria: Invitae Variant Classification Sherloc (09022015). Collection method: clinical testing. Allele origin: germline.
Comment: This sequence change replaces serine, which is neutral and polar, with glycine, which is neutral and non-polar, at codon 142 of the VPS37A protein (p.Ser142Gly). The frequency data for this variant in the population databases is considered unreliable, as metrics indicate poor data quality at this position in the gnomAD database. This variant has not been reported in the literature in individuals affected with VPS37A-related conditions. ClinVar contains an entry for this variant (Variation ID: 1011549). Invitae Evidence Modeling of protein sequence and biophysical properties (such as structural, functional, and spatial information, amino acid conservation, physicochemical variation, residue mobility, and thermodynamic stability) indicates that this missense variant is not expected to disrupt VPS37A protein function with a negative predictive value of 80%. In summary, the available evidence is currently insufficient to determine the role of this variant in disease. Therefore, it has been classified as a Variant of Uncertain Significance.

Ambry Genetics
Classification: Uncertain significance. Last evaluated: 2024-01-24. Review status: criteria provided, single submitter. Criteria: Ambry Variant Classification Scheme 2023. Collection method: clinical testing. Allele origin: germline.

NM_152415.3(VPS37A):c.424A>G (p.Ser142Gly)

Gene: VPS37A (VPS37A subunit of ESCRT-I; plus strand). Cytogenetic location: 8p22.
Variant type: single nucleotide variant.
Coding change: c.424A>G on transcript NM_152415.3 (MANE Select); coding-DNA position 424, A replaced by G.
Protein change: p.Ser142Gly; replaces serine 142 with glycine.
Molecular consequence: missense variant.
Genome position (GRCh38, 1-based): chr8:17,274,740, A>G. VCF-style: chr8-17274740-A-G. GRCh37 (hg19) VCF-style: chr8-17132249-A-G.
Other names: c.349A>G, p.Ser117Gly (NM_001145152.2); c.424A>G, p.Ser142Gly (NM_001363167.1, NM_001363173.2); c.154A>G, p.Ser52Gly (NM_001363168.1, NM_001363169.1, NM_001363170.1 and 2 more transcripts); c.424A>G (NM_152415.2); short protein forms S117G, S142G, S52G.
Identifiers: ClinVar variation 1011549 (VCV001011549.6), dbSNP rs371463914, ClinGen allele CA4643323.
Genomic context (GRCh38, chr8:17,274,740, plus strand): 5'-GACATGTTTTATCCATAAAATCTAATGTAATGATCTTCTCTTTTTCTTTTCAGTCTATAC[A>G]GTAACCCAAGTGGGATGTCTCCTTATGCTTCTCAGGGTTTTCCATTTCTTCCTCCATATC-3'
Protein context (NP_689628.2, residues 132-152): PTSTAFPYLY[Ser142Gly]NPSGMSPYAS